The following is an entry in ClinVar:

NM_002609.4(PDGFRB):c.3204C>A (p.Asp1068Glu)

Gene: PDGFRB (platelet derived growth factor receptor beta; minus strand). Cytogenetic location: 5q32.
Variant type: single nucleotide variant.
Coding change: c.3204C>A on transcript NM_002609.4 (MANE Select); coding-DNA position 3204, C replaced by A.
Protein change: p.Asp1068Glu; replaces aspartic acid 1068 with glutamic acid.
Molecular consequence: missense variant.
Genome position (GRCh38, 1-based): chr5:150,115,880, G>T on the plus strand (C>A on the coding strand, the complement: PDGFRB is on the minus strand). VCF-style: chr5-150115880-G-T. GRCh37 (hg19) VCF-style: chr5-149495443-G-T.
Other names: c.3012C>A, p.Asp1004Glu (NM_001355016.2); c.2721C>A, p.Asp907Glu (NM_001355017.2); short protein forms D1004E, D1068E, D907E.
Identifiers: ClinVar variation 4085225 (VCV004085225.8).

ClinVar aggregate classification (germline): Likely benign (1 of 4 stars; one submission).

gnomAD v4.1: 1 of 1,610,130 alleles (0.000062%); highest among the groups gnomAD compares: Non-Finnish European, 0.000085%; no homozygotes.

Submission:

CeGaT Center for Human Genetics Tuebingen
Classification: Likely benign. Last evaluated: 2025-06-01. Review status: criteria provided, single submitter. Criteria: CeGaT Center For Human Genetics Tuebingen Variant Classification Criteria Version 2. Collection method: clinical testing. Allele origin: germline. Affected: yes. Observed: 1 variant allele.
Comment: PDGFRB: BP4